The following is an entry in ClinVar:

NM_000936.4(PNLIP):c.469G>A (p.Gly157Ser)

Gene: PNLIP (pancreatic lipase; plus strand). Cytogenetic location: 10q25.3.
Variant type: single nucleotide variant.
Coding change: c.469G>A on transcript NM_000936.4 (MANE Select); coding-DNA position 469, G replaced by A.
Protein change: p.Gly157Ser; replaces glycine 157 with serine.
Molecular consequence: missense variant.
Genome position (GRCh38, 1-based): chr10:116,553,736, G>A. VCF-style: chr10-116553736-G-A. GRCh37 (hg19) VCF-style: chr10-118313248-G-A.
Other names: c.469G>A (NM_000936.2); short protein forms G157S.
Identifiers: ClinVar variation 2085586 (VCV002085586.2), dbSNP rs1443308378, ClinGen allele CA378493808.
Genomic context (GRCh38, chr10:116,553,736, plus strand): 5'-CAACTCATGACTGCACTTGAAAACATTCTGAAAAGGTTTTCTTTCCGACAGTCGGCGTTC[G>A]GTTACTCACCTTCCAATGTGCATGTCATTGGCCACAGCCTGGGTGCCCACGCTGCTGGGG-3'
Protein context (NP_000927.1, residues 147-167): YFVEFLQSAF[Gly157Ser]YSPSNVHVIG

ClinVar aggregate classification (germline): Uncertain significance. Review status: criteria provided, multiple submitters, no conflicts (2 of 4 stars). 2 submissions from 2 submitters: Uncertain significance (2). Last evaluated 2023-12-20.

Allele frequency attached by ClinVar (database versions not stated): gnomAD 0.00001.
gnomAD v4.1: 11 of 1,609,476 alleles (0.00068%); highest among the groups gnomAD compares: East Asian, 0.0022%; no homozygotes.

Submissions (2):

Ambry Genetics
Classification: Uncertain significance. Last evaluated: 2023-12-20. Review status: criteria provided, single submitter. Criteria: Ambry Variant Classification Scheme 2023. Collection method: clinical testing. Allele origin: germline.

Labcorp Genetics (formerly Invitae), Labcorp
Classification: Uncertain significance. Last evaluated: 2022-09-27. Review status: criteria provided, single submitter. Criteria: Invitae Variant Classification Sherloc (09022015). Collection method: clinical testing. Allele origin: germline.
Comment: This sequence change replaces glycine, which is neutral and non-polar, with serine, which is neutral and polar, at codon 157 of the PNLIP protein (p.Gly157Ser). This variant is present in population databases (no rsID available, gnomAD 0.0009%). This variant has not been reported in the literature in individuals affected with PNLIP-related conditions. Advanced modeling of protein sequence and biophysical properties (such as structural, functional, and spatial information, amino acid conservation, physicochemical variation, residue mobility, and thermodynamic stability) performed at Invitae indicates that this missense variant is not expected to disrupt PNLIP protein function. In summary, the available evidence is currently insufficient to determine the role of this variant in disease. Therefore, it has been classified as a Variant of Uncertain Significance.